The following is an entry in ClinVar:

ClinVar aggregate classification (germline): Uncertain significance. Review status: criteria provided, multiple submitters, no conflicts (2 of 4 stars). 5 submissions from 5 submitters: Uncertain significance (5). Last evaluated 2026-01-04.

Conditions:
Cardiomyopathy (CMYO). Also called: Cardiomyopathies. Identifiers: Orphanet 167848, MedGen C0878544, MONDO:0004994, HP:0001638. Inheritance: Various modes of inheritance.
Cardiovascular phenotype. Identifiers: MedGen CN230736.
Catecholaminergic polymorphic ventricular tachycardia (CVPT). Also called: Catecholamine-induced polymorphic ventricular tachycardia. Identifiers: Orphanet 3286, MedGen C5574922, MONDO:0017990.
Catecholaminergic polymorphic ventricular tachycardia 1. Also called: RYR2-Related Catecholaminergic Polymorphic Ventricular Tachycardia; VENTRICULAR TACHYCARDIA, CATECHOLAMINERGIC POLYMORPHIC, 1, WITH OR WITHOUT ATRIAL DYSFUNCTION AND/OR DILATED CARDIOMYOPATHY; VENTRICULAR TACHYCARDIA, STRESS-INDUCED POLYMORPHIC 1. Identifiers: Orphanet 3286, MedGen C1631597, MONDO:0011484, OMIM 604772.

Allele frequency attached by ClinVar (database versions not stated): ExAC 0.00001; gnomAD 0.00002 and 0.00003; TOPMed 0.00002.

Submissions (5):

Labcorp Genetics (formerly Invitae), Labcorp
Classification: Uncertain significance for Catecholaminergic polymorphic ventricular tachycardia 1. Last evaluated: 2026-01-04. Review status: criteria provided, single submitter. Criteria: Invitae Variant Classification Sherloc (09022015). Collection method: clinical testing. Allele origin: germline.
Comment: This sequence change replaces methionine, which is neutral and non-polar, with leucine, which is neutral and non-polar, at codon 2681 of the RYR2 protein (p.Met2681Leu). This variant is present in population databases (rs768547151, gnomAD 0.005%). This variant has not been reported in the literature in individuals affected with RYR2-related conditions. ClinVar contains an entry for this variant (Variation ID: 201284). Invitae Evidence Modeling of protein sequence and biophysical properties (such as structural, functional, and spatial information, amino acid conservation, physicochemical variation, residue mobility, and thermodynamic stability) indicates that this missense variant is not expected to disrupt RYR2 protein function with a negative predictive value of 95%. In summary, the available evidence is currently insufficient to determine the role of this variant in disease. Therefore, it has been classified as a Variant of Uncertain Significance.

Ambry Genetics
Classification: Uncertain significance for Cardiovascular phenotype. Last evaluated: 2025-04-11. Review status: criteria provided, single submitter. Criteria: Ambry Variant Classification Scheme 2023. Collection method: clinical testing. Allele origin: germline.
Comment: The p.M2681L variant (also known as c.8041A>T), located in coding exon 53 of the RYR2 gene, results from an A to T substitution at nucleotide position 8041. The methionine at codon 2681 is replaced by leucine, an amino acid with highly similar properties. This amino acid position is highly conserved in available vertebrate species. In addition, the in silico prediction for this alteration is inconclusive. Based on the available evidence, the clinical significance of this variant remains unclear.

All of Us Research Program, National Institutes of Health
Classification: Uncertain significance for Catecholaminergic polymorphic ventricular tachycardia. Last evaluated: 2024-06-09. Review status: criteria provided, single submitter. Criteria: ACMG Guidelines, 2015. Collection method: clinical testing. Allele origin: germline. Inheritance: Autosomal dominant inheritance. Observed: 7 variant alleles, 7 heterozygotes.
Comment: This variant is located in the RYR2 protein. Computational prediction suggests that this variant may not impact protein structure and function (internally defined REVEL score threshold <= 0.5, PMID: 27666373). To our knowledge, functional studies have not been reported for this variant. This variant has not been reported in individuals affected with cardiovascular disorders in the literature. This variant has been identified in 10/276760 chromosomes in the general population by the Genome Aggregation Database (gnomAD). The available evidence is insufficient to determine the role of this variant in disease conclusively. Therefore, this variant is classified as a Variant of Uncertain Significance.

This study involves interpretation of variants in research participants for the purpose of population health screening. Participant phenotype was not available at the time of variant classification. Additional details can be found in publication PMID: 35346344, PMCID: PMC8962531

Color Diagnostics, LLC DBA Color Health
Classification: Uncertain significance for Cardiomyopathy. Last evaluated: 2024-03-06. Review status: criteria provided, single submitter. Criteria: ACMG Guidelines, 2015. Collection method: clinical testing. Allele origin: germline.
Comment: This variant is located in the RYR2 protein. Computational prediction suggests that this variant may not impact protein structure and function (internally defined REVEL score threshold <= 0.5, PMID: 27666373). To our knowledge, functional studies have not been reported for this variant. This variant has not been reported in individuals affected with cardiovascular disorders in the literature. This variant has been identified in 10/276760 chromosomes in the general population by the Genome Aggregation Database (gnomAD). The available evidence is insufficient to determine the role of this variant in disease conclusively. Therefore, this variant is classified as a Variant of Uncertain Significance.

GeneDx
Classification: Uncertain significance. Last evaluated: 2019-01-21. Review status: criteria provided, single submitter. Criteria: GeneDx Variant Classification (06012015). Collection method: clinical testing. Allele origin: germline. Affected: yes.
Comment: A variant of uncertain significance has been identified in the RYR2 gene. The M2681L variant has not been published as pathogenic or been reported as benign to our knowledge. This variant is observed in 6/125002 (0.005%) alleles from individuals of Non-Finnish European ancestry, 1/18660 (0.005%) alleles from individuals of East Asian ancestry, and 1/23660 (0.004%) alleles from individuals of African ancestry, in large population cohorts (Lek et al., 2016). The M2681L variant is a conservative amino acid substitution, which is not likely to impact secondary protein structure as these residues share similar properties. Additionally, this substitution occurs at a position where amino acids with similar properties to methionine (M) are tolerated across species, and leucine (L) is the wild-type residue at this position in at least one non-mammalian species. In silico analysis is inconsistent in its predictions as to whether or not the variant is damaging to the protein structure/function. Furthermore, M2681L is not located in one of the three hot-spot regions of the RYR2 gene, where the majority of pathogenic missense variants occur (Medeiros-Domingo et al., 2009).

NM_001035.3(RYR2):c.8041A>T (p.Met2681Leu)

Gene: RYR2 (ryanodine receptor 2; plus strand). Cytogenetic location: 1q43.
Variant type: single nucleotide variant.
Coding change: c.8041A>T on transcript NM_001035.3 (MANE Select); coding-DNA position 8041, A replaced by T.
Protein change: p.Met2681Leu; replaces methionine 2681 with leucine.
Molecular consequence: missense variant.
Genome position (GRCh38, 1-based): chr1:237,655,896, A>T. VCF-style: chr1-237655896-A-T. GRCh37 (hg19) VCF-style: chr1-237819196-A-T.
Other names: p.M2681L:ATG>TTG; c.8041A>T, p.Met2681Leu (LRG_402t1); short protein forms M2681L.
Identifiers: ClinVar variation 201284 (VCV000201284.18), dbSNP rs768547151, ClinGen allele CA010824.
Genomic context (GRCh38, chr1:237,655,896, plus strand): 5'-CTTTTCAAACTGGCACTGCCTTGCCTGAGTGCAGTTGCGGGAGCTTTGCCTCCAGACTAC[A>T]TGGAGTCAAATTATGTCAGTATGATGGAAAAACAGTCATCAATGGATTCTGAAGGGAACT-3'
Protein context (NP_001026.2, residues 2671-2691): AVAGALPPDY[Met2681Leu]ESNYVSMMEK